The following is an entry in ClinVar:

ClinVar aggregate classification (germline): Uncertain significance (1 of 4 stars; one submission).

Allele frequency attached by ClinVar (database versions not stated): gnomAD exomes below 0.00001; gnomAD 0.00003; TOPMed 0.00003.
gnomAD v4.1: 7 of 1,607,290 alleles (0.00044%); highest among the groups gnomAD compares: African/African-American, 0.0013%; no homozygotes.

Submission:

Women's Health and Genetics/Laboratory Corporation of America, LabCorp
Classification: Uncertain significance. Last evaluated: 2024-02-14. Review status: criteria provided, single submitter. Criteria: LabCorp Variant Classification Summary - May 2015. Collection method: clinical testing. Allele origin: germline.
Comment: Variant summary: WDFY3 c.6797C>T (p.Ala2266Val) results in a non-conservative amino acid change in the encoded protein sequence. Three of five in-silico tools predict a benign effect of the variant on protein function. The variant was absent in 248412 control chromosomes (gnomAD). The available data on variant occurrences in the general population are insufficient to allow any conclusion about variant significance. To our knowledge, no occurrence of c.6797C>T in individuals affected with Primary, Autosomal Dominant Microcephaly 18, and no experimental evidence demonstrating its impact on protein function have been reported. No submitters have cited clinical-significance assessments for this variant to ClinVar. Based on the evidence outlined above, the variant was classified as uncertain significance.

NM_014991.6(WDFY3):c.6797C>T (p.Ala2266Val)

Gene: WDFY3 (WD repeat and FYVE domain containing 3; minus strand). Cytogenetic location: 4q21.23.
Variant type: single nucleotide variant.
Coding change: c.6797C>T on transcript NM_014991.6 (MANE Select); coding-DNA position 6797, C replaced by T.
Protein change: p.Ala2266Val; replaces alanine 2266 with valine.
Molecular consequence: missense variant.
Genome position (GRCh38, 1-based): chr4:84,736,288, G>A on the plus strand (C>T on the coding strand, the complement: WDFY3 is on the minus strand). VCF-style: chr4-84736288-G-A. GRCh37 (hg19) VCF-style: chr4-85657441-G-A.
Other names: short protein forms A2266V.
Identifiers: ClinVar variation 3069091 (VCV003069091.2), dbSNP rs866717380, ClinGen allele CA100708773.